The following is an entry in ClinVar:

ClinVar aggregate classification (germline): Uncertain significance (1 of 4 stars; one submission).

Submission:

GeneDx
Classification: Uncertain significance. Last evaluated: 2023-03-10. Review status: criteria provided, single submitter. Criteria: GeneDx Variant Classification Process June 2021. Collection method: clinical testing. Allele origin: germline. Affected: yes.
Comment: Not observed at significant frequency in large population cohorts (gnomAD); In silico analysis supports that this missense variant has a deleterious effect on protein structure/function; Has not been previously published as pathogenic or benign to our knowledge

NM_001130004.2(ACTN1):c.2200C>A (p.Gln734Lys)

Gene: ACTN1 (actinin alpha 1; minus strand). Cytogenetic location: 14q24.1.
Variant type: single nucleotide variant.
Coding change: c.2200C>A on transcript NM_001130004.2 (MANE Select); coding-DNA position 2200, C replaced by A.
Protein change: p.Gln734Lys; replaces glutamine 734 with lysine.
Molecular consequence: missense variant.
Genome position (GRCh38, 1-based): chr14:68,880,042, G>T on the plus strand (C>A on the coding strand, the complement: ACTN1 is on the minus strand). VCF-style: chr14-68880042-G-T. GRCh37 (hg19) VCF-style: chr14-69346759-G-T.
Other names: c.2200C>A, p.Gln734Lys (NM_001102.4, NM_001130005.2, NM_001424012.1 and 2 more transcripts); c.2224C>A, p.Gln742Lys (NM_001411035.1, NM_001424016.1); c.2005C>A, p.Gln669Lys (NM_001411036.1, NM_001424026.1, NM_001424028.1); c.2326C>A, p.Gln776Lys (NM_001424013.1); c.2287C>A, p.Gln763Lys (NM_001424015.1); c.2197C>A, p.Gln733Lys (NM_001424017.1); c.2161C>A, p.Gln721Lys (NM_001424018.1); c.2017C>A, p.Gln673Lys (NM_001424019.1, NM_001424024.1, NM_001424025.1 and 2 more transcripts); and 3 more; short protein forms Q459K, Q669K, Q673K, Q711K, Q713K, Q721K, Q733K, Q734K.
Identifiers: ClinVar variation 2579802 (VCV002579802.1), dbSNP rs2503157695, ClinGen allele CA390181702.